The following is an entry in ClinVar:

ClinVar aggregate classification (germline): Uncertain significance. Review status: criteria provided, multiple submitters, no conflicts (2 of 4 stars). 2 submissions from 2 submitters: Uncertain significance (2). Last evaluated 2025-11-10.

Conditions:
Renal cell carcinoma. Identifiers: Orphanet 217071, MedGen C0007134, MeSH D002292, MONDO:0005086, HP:0005584.
Hereditary cancer-predisposing syndrome. Also called: Tumor predisposition; Hereditary Cancer Syndrome; Hereditary neoplastic syndrome; Neoplastic Syndromes, Hereditary. Identifiers: Orphanet 140162, MedGen C0027672, MeSH D009386, MONDO:0015356.

gnomAD v4.1: 3 of 1,613,626 alleles (0.00019%); highest among the groups gnomAD compares: Non-Finnish European, 0.00025%; no homozygotes.

Submissions (2):

Labcorp Genetics (formerly Invitae), Labcorp
Classification: Uncertain significance for Renal cell carcinoma. Last evaluated: 2025-11-10. Review status: criteria provided, single submitter. Criteria: Invitae Variant Classification Sherloc (09022015). Collection method: clinical testing. Allele origin: germline.
Comment: This sequence change replaces arginine, which is basic and polar, with leucine, which is neutral and non-polar, at codon 739 of the MET protein (p.Arg739Leu). This variant is not present in population databases (gnomAD no frequency). This variant has not been reported in the literature in individuals affected with MET-related conditions. ClinVar contains an entry for this variant (Variation ID: 2090340). Invitae Evidence Modeling of protein sequence and biophysical properties (such as structural, functional, and spatial information, amino acid conservation, physicochemical variation, residue mobility, and thermodynamic stability) indicates that this missense variant is not expected to disrupt MET protein function with a negative predictive value of 80%. In summary, the available evidence is currently insufficient to determine the role of this variant in disease. Therefore, it has been classified as a Variant of Uncertain Significance.

Ambry Genetics
Classification: Uncertain significance for Hereditary cancer-predisposing syndrome. Last evaluated: 2023-10-10. Review status: criteria provided, single submitter. Criteria: Ambry Variant Classification Scheme 2023. Collection method: clinical testing. Allele origin: germline.
Comment: The p.R739L variant (also known as c.2216G>T), located in coding exon 8 of the MET gene, results from a G to T substitution at nucleotide position 2216. The arginine at codon 739 is replaced by leucine, an amino acid with dissimilar properties. This amino acid position is not well conserved in available vertebrate species. In addition, this alteration is predicted to be tolerated by in silico analysis. Since supporting evidence is limited at this time, the clinical significance of this alteration remains unclear.

NM_000245.4(MET):c.2216G>T (p.Arg739Leu)

Gene: MET (MET proto-oncogene, receptor tyrosine kinase; plus strand). Cytogenetic location: 7q31.2.
Variant type: single nucleotide variant.
Coding change: c.2216G>T on transcript NM_000245.4 (MANE Select); coding-DNA position 2216, G replaced by T.
Protein change: p.Arg739Leu; replaces arginine 739 with leucine.
Molecular consequence: missense variant.
Genome position (GRCh38, 1-based): chr7:116,758,572, G>T. VCF-style: chr7-116758572-G-T. GRCh37 (hg19) VCF-style: chr7-116398626-G-T.
Other names: c.2216G>T, p.Arg739Leu (NM_001127500.3, NM_001324401.3); c.926G>T, p.Arg309Leu (NM_001324402.2); short protein forms R739L, R309L.
Identifiers: ClinVar variation 2090340 (VCV002090340.5), dbSNP rs45553236, ClinGen allele CA368980757.